The following is an entry in ClinVar:

NC_000003.11:g.(?_12627160)_(12627318_?)dup

Gene: RAF1 (Raf-1 proto-oncogene, serine/threonine kinase; minus strand). Cytogenetic location: 3p25.2.
Variant type: Duplication.
Identifiers: ClinVar variation 544020 (VCV000544020.2).

ClinVar aggregate classification (germline): Uncertain significance (1 of 4 stars; one submission).

Conditions:
RASopathy. Also called: rasopathies; Noonan spectrum disorder. Identifiers: Orphanet 536391, MedGen C5555857, MONDO:0021060.

Submission:

Labcorp Genetics (formerly Invitae), Labcorp
Classification: Uncertain significance for RASopathy. Last evaluated: 2022-05-26. Review status: criteria provided, single submitter. Criteria: Invitae Variant Classification Sherloc (09022015). Collection method: clinical testing. Allele origin: germline.
Comment: This variant results in a copy number gain of the genomic region encompassing exon(s) 14 of the RAF1 gene. While the exact position of this variant cannot be determined from the data, sub-genic copy number gains are generally in tandem (PMID: 25640679). This variant is predicted to be out-of-frame, and may result in an absent or disrupted protein product. However, the current clinical and genetic evidence is not sufficient to establish whether loss-of-function variants in RAF1 cause disease. This variant has not been reported in the literature in individuals affected with RAF1-related conditions. In summary, the available evidence is currently insufficient to determine the role of this variant in disease. Therefore, it has been classified as a Variant of Uncertain Significance.

Literature cited by the submitters: PubMed 25640679.